The following is an entry in ClinVar:

ClinVar aggregate classification (germline): Uncertain significance (1 of 4 stars; one submission).

Submission:

GeneDx
Classification: Uncertain significance. Last evaluated: 2023-12-03. Review status: criteria provided, single submitter. Criteria: GeneDx Variant Classification Process June 2021. Collection method: clinical testing. Allele origin: germline. Affected: yes.
Comment: Not observed at significant frequency in large population cohorts (gnomAD); In silico analysis supports that this missense variant has a deleterious effect on protein structure/function; Has not been previously published as pathogenic or benign to our knowledge

NM_152296.5(ATP1A3):c.1909C>G (p.Arg637Gly)

Gene: ATP1A3 (ATPase Na+/K+ transporting subunit alpha 3; minus strand). Cytogenetic location: 19q13.2.
Variant type: single nucleotide variant.
Coding change: c.1909C>G on transcript NM_152296.5 (MANE Select); coding-DNA position 1909, C replaced by G.
Protein change: p.Arg637Gly; replaces arginine 637 with glycine.
Molecular consequence: missense variant.
Genome position (GRCh38, 1-based): chr19:41,977,970, G>C on the plus strand (C>G on the coding strand, the complement: ATP1A3 is on the minus strand). VCF-style: chr19-41977970-G-C. GRCh37 (hg19) VCF-style: chr19-42482122-G-C.
Other names: c.1942C>G, p.Arg648Gly (NM_001256213.2); c.1948C>G, p.Arg650Gly (NM_001256214.2); short protein forms R637G, R648G, R650G.
Identifiers: ClinVar variation 3365192 (VCV003365192.1).